The following is an entry in ClinVar:

ClinVar aggregate classification (germline): Conflicting classifications of pathogenicity. Review status: criteria provided, conflicting classifications (1 of 4 stars). 2 submissions from 2 submitters: Likely pathogenic (1); Uncertain significance (1). Last evaluated 2026-02-08.

Conditions:
Aortic valve disease 2 (AOVD2). Identifiers: MedGen C3542024, MONDO:0013902, OMIM 614823.

gnomAD v4.1: 4 of 1,607,720 alleles (0.00025%); highest among the groups gnomAD compares: Non-Finnish European, 0.00025%; no homozygotes.

Submissions (2):

GeneDx
Classification: Likely pathogenic. Last evaluated: 2026-02-08. Review status: criteria provided, single submitter. Criteria: GeneDx Variant Classification Process June 2021. Collection method: clinical testing. Allele origin: germline. Affected: yes.
Comment: Identified in a patient from a cohort of individuals with developmental disorders; however, detailed clinical information was not provided (PMID: 33057194, 35982159); Nonsense variant predicted to result in protein truncation, as the last 115 amino acids are lost, and other loss-of-function variants have been reported downstream in HGMD; Not observed at significant frequency in large population cohorts (gnomAD); This variant is associated with the following publications: (PMID: 35982159, 33057194)

Labcorp Genetics (formerly Invitae), Labcorp
Classification: Uncertain significance for Aortic valve disease 2. Last evaluated: 2022-05-09. Review status: criteria provided, single submitter. Criteria: Invitae Variant Classification Sherloc (09022015). Collection method: clinical testing. Allele origin: germline.
Comment: In summary, the available evidence is currently insufficient to determine the role of this variant in disease. Therefore, it has been classified as a Variant of Uncertain Significance. Experimental studies and prediction algorithms are not available or were not evaluated, and the functional significance of this variant is currently unknown. This variant has not been reported in the literature in individuals affected with SMAD6-related conditions. This variant is not present in population databases (gnomAD no frequency). This sequence change creates a premature translational stop signal (p.Arg382*) in the SMAD6 gene. While this is not anticipated to result in nonsense mediated decay, it is expected to disrupt the last 115 amino acid(s) of the SMAD6 protein.

NM_005585.5(SMAD6):c.1144C>T (p.Arg382Ter)

Gene: SMAD6 (SMAD family member 6; plus strand). Cytogenetic location: 15q22.31.
Variant type: single nucleotide variant.
Coding change: c.1144C>T on transcript NM_005585.5 (MANE Select); coding-DNA position 1144, C replaced by T.
Protein change: p.Arg382Ter; replaces arginine 382 with a stop codon.
Molecular consequence: nonsense. On other transcripts: non-coding transcript variant (1).
Genome position (GRCh38, 1-based): chr15:66,781,188, C>T. VCF-style: chr15-66781188-C-T. GRCh37 (hg19) VCF-style: chr15-67073526-C-T.
Other names: c.1144C>T (NM_005585.4); short protein forms R382*.
Identifiers: ClinVar variation 2195054 (VCV002195054.7), dbSNP rs2541897696, ClinGen allele CA393201952.